The following is an entry in ClinVar:

ClinVar aggregate classification (germline): Likely benign. Review status: criteria provided, multiple submitters, no conflicts (2 of 4 stars). 5 submissions from 5 submitters: Likely benign (4). 1 of the submissions does not count toward it. Last evaluated 2025-07-29.

Conditions:
Cardiovascular phenotype. Identifiers: MedGen CN230736.
CBL-related disorder. Also called: CBL MUTATION-ASSOCIATED SYNDROME; CBL SYNDROME; NOONAN SYNDROME-LIKE DISORDER WITHOUT JUVENILE MYELOMONOCYTIC LEUKEMIA. Identifiers: Orphanet 363972, MedGen C3150803, MONDO:0013308, OMIM 613563.
RASopathy. Also called: rasopathies; Noonan spectrum disorder. Identifiers: Orphanet 536391, MedGen C5555857, MONDO:0021060.
Juvenile myelomonocytic leukemia (JMML). Also called: LEUKEMIA, JUVENILE MYELOMONOCYTIC, SOMATIC. Identifiers: Orphanet 86834, MedGen C0349639, MONDO:0011908, OMIM 607785, HP:0012209.

Allele frequency attached by ClinVar (database versions not stated): TOPMed below 0.00001; gnomAD exomes 0.00003; ExAC 0.00004.
gnomAD v4.1: 38 of 1,613,996 alleles (0.0024%); highest among the groups gnomAD compares: South Asian, 0.026%; no homozygotes.

Submissions (5):

Labcorp Genetics (formerly Invitae), Labcorp
Classification: Likely benign for RASopathy. Last evaluated: 2025-07-29. Review status: criteria provided, single submitter. Criteria: Invitae Variant Classification Sherloc (09022015). Collection method: clinical testing. Allele origin: germline.

Ambry Genetics
Classification: Likely benign for Cardiovascular phenotype. Last evaluated: 2024-12-20. Review status: criteria provided, single submitter. Criteria: Ambry Variant Classification Scheme 2023. Collection method: clinical testing. Allele origin: germline.

Fulgent Genetics
Classification: Likely benign for Juvenile myelomonocytic leukemia; CBL-related disorder. Last evaluated: 2021-08-30. Review status: criteria provided, single submitter. Criteria: ACMG Guidelines, 2015. Collection method: clinical testing. Allele origin: unknown.

Illumina Laboratory Services, Illumina
Classification: Likely benign for CBL-related disorder. Last evaluated: 2018-01-12. Review status: criteria provided, single submitter. Criteria: ICSL Variant Classification Criteria 13 December 2019. Collection method: clinical testing. Allele origin: germline.
Comment: This variant was observed in the ICSL laboratory as part of a predisposition screen in an ostensibly healthy population. It had not been previously curated by ICSL or reported in the Human Gene Mutation Database (HGMD: prior to June 1st, 2018), and was therefore a candidate for classification through an automated scoring system. Utilizing variant allele frequency, disease prevalence and penetrance estimates, and inheritance mode, an automated score was calculated to assess if this variant is too frequent to cause the disease. Based on the score and internal cut-off values, a variant classified as likely benign is not then subjected to further curation. The score for this variant resulted in a classification of likely benign for this disease.

PreventionGenetics, part of Exact Sciences
Classification: Likely benign for CBL-related condition. Last evaluated: 2021-10-13. Review status: no assertion criteria provided. Collection method: clinical testing. Allele origin: germline. Not counted in ClinVar's aggregate classification.
Comment: This variant is classified as likely benign based on ACMG/AMP sequence variant interpretation guidelines (Richards et al. 2015 PMID: 25741868, with internal and published modifications).

NM_005188.4(CBL):c.1353C>T (p.Pro451=)

Gene: CBL (Cbl proto-oncogene; plus strand). Cytogenetic location: 11q23.3.
Variant type: single nucleotide variant.
Coding change: c.1353C>T on transcript NM_005188.4 (MANE Select); coding-DNA position 1353, C replaced by T.
Protein change: p.Pro451=; no amino-acid change (proline 451 retained).
Molecular consequence: synonymous variant.
Genome position (GRCh38, 1-based): chr11:119,278,635, C>T. VCF-style: chr11-119278635-C-T. GRCh37 (hg19) VCF-style: chr11-119149345-C-T.
Other names: c.1353C>T (NM_005188.2).
Identifiers: ClinVar variation 877348 (VCV000877348.11), dbSNP rs201616881, ClinGen allele CA6318500.